The following is an entry in ClinVar:

ClinVar aggregate classification (germline): Benign (1 of 4 stars; one submission).

Allele frequency attached by ClinVar (database versions not stated): gnomAD 0.06136 and 0.05862; TOPMed 0.06595; 1000 Genomes Project 0.07788; 1000 Genomes Project 30x 0.08089.
gnomAD v4.1: 8,898 of 152,224 alleles (5.8%); highest among the groups gnomAD compares: African/African-American, 17%; 614 homozygotes.

Submission:

GeneDx
Classification: Benign. Last evaluated: 2018-06-14. Review status: criteria provided, single submitter. Criteria: GeneDx Variant Classification (06012015). Collection method: clinical testing. Allele origin: germline. Affected: yes.
Comment: This variant is considered likely benign or benign based on one or more of the following criteria: it is a conservative change, it occurs at a poorly conserved position in the protein, it is predicted to be benign by multiple in silico algorithms, and/or has population frequency not consistent with disease.

NM_145693.2(LPIN1):c.-33085T>C

Gene: LPIN1 (lipin 1; plus strand). Cytogenetic location: 2p25.1.
Variant type: single nucleotide variant.
Coding change: c.-33085T>C on transcript NM_145693.2; 33085 bases upstream of the start codon, T replaced by C.
Molecular consequence: intron variant (on NM_001261428.3).
Genome position (GRCh38, 1-based): chr2:11,713,596, T>C. VCF-style: chr2-11713596-T-C. GRCh37 (hg19) VCF-style: chr2-11853722-T-C.
Other names: c.82-160T>C (NM_001261428.3, NM_001349208.2); c.81+35868T>C (NM_001349207.2).
Identifiers: ClinVar variation 670680 (VCV000670680.3), dbSNP rs73181378, ClinGen allele CA42597046.